The following is an entry in ClinVar:

NM_001130823.3(DNMT1):c.3937G>T (p.Gly1313Cys)

Gene: DNMT1 (DNA methyltransferase 1; minus strand). Cytogenetic location: 19p13.2.
Variant type: single nucleotide variant.
Coding change: c.3937G>T on transcript NM_001130823.3 (MANE Select); coding-DNA position 3937, G replaced by T.
Protein change: p.Gly1313Cys; replaces glycine 1313 with cysteine.
Molecular consequence: missense variant.
Genome position (GRCh38, 1-based): chr19:10,139,687, C>A on the plus strand (G>T on the coding strand, the complement: DNMT1 is on the minus strand). VCF-style: chr19-10139687-C-A. GRCh37 (hg19) VCF-style: chr19-10250363-C-A.
Other names: c.3889G>T, p.Gly1297Cys (NM_001318730.2, NM_001379.4); c.3574G>T, p.Gly1192Cys (NM_001318731.2); short protein forms G1192C, G1297C, G1313C.
Identifiers: ClinVar variation 1714741 (VCV001714741.5), dbSNP rs767041788, ClinGen allele CA403972153.

ClinVar aggregate classification (germline): Uncertain significance (1 of 4 stars; one submission).

Conditions:
Hereditary sensory neuropathy-deafness-dementia syndrome. Also called: NEUROPATHY, HEREDITARY SENSORY, WITH HEARING LOSS AND DEMENTIA; HSN IE; Hereditary sensory neuropathy type IE; Hereditary Sensory and Autonomic Neuropathy Type 1E (HSAN1E). Identifiers: Orphanet 456318, MedGen C3279885, MONDO:0013584, OMIM 614116.

Submission:

Labcorp Genetics (formerly Invitae), Labcorp
Classification: Uncertain significance for Hereditary sensory neuropathy-deafness-dementia syndrome. Last evaluated: 2023-07-03. Review status: criteria provided, single submitter. Criteria: Invitae Variant Classification Sherloc (09022015). Collection method: clinical testing. Allele origin: germline.
Comment: In summary, the available evidence is currently insufficient to determine the role of this variant in disease. Therefore, it has been classified as a Variant of Uncertain Significance. Advanced modeling of protein sequence and biophysical properties (such as structural, functional, and spatial information, amino acid conservation, physicochemical variation, residue mobility, and thermodynamic stability) performed at Invitae indicates that this missense variant is expected to disrupt DNMT1 protein function. ClinVar contains an entry for this variant (Variation ID: 1714741). This variant has not been reported in the literature in individuals affected with DNMT1-related conditions. This variant is not present in population databases (gnomAD no frequency). This sequence change replaces glycine, which is neutral and non-polar, with cysteine, which is neutral and slightly polar, at codon 1313 of the DNMT1 protein (p.Gly1313Cys).